The following is an entry in ClinVar:

NM_014053.4(FLVCR1):c.1367C>G (p.Pro456Arg)

Gene: FLVCR1 (FLVCR choline and heme transporter 1; plus strand). Cytogenetic location: 1q32.3.
Variant type: single nucleotide variant.
Coding change: c.1367C>G on transcript NM_014053.4 (MANE Select); coding-DNA position 1367, C replaced by G.
Protein change: p.Pro456Arg; replaces proline 456 with arginine.
Molecular consequence: missense variant.
Genome position (GRCh38, 1-based): chr1:212,888,548, C>G. VCF-style: chr1-212888548-C-G. GRCh37 (hg19) VCF-style: chr1-213061890-C-G.
Other names: short protein forms P456R.
Identifiers: ClinVar variation 1435413 (VCV001435413.7), dbSNP rs1274790146, ClinGen allele CA344793358.

ClinVar aggregate classification (germline): Uncertain significance (1 of 4 stars; one submission).

Allele frequency attached by ClinVar (database versions not stated): gnomAD 0.00001; TOPMed 0.00001.
gnomAD v4.1: 1 of 1,613,752 alleles (0.000062%); highest among the groups gnomAD compares: African/African-American, 0.0013%; no homozygotes.

Submission:

Labcorp Genetics (formerly Invitae), Labcorp
Classification: Uncertain significance. Last evaluated: 2022-01-13. Review status: criteria provided, single submitter. Criteria: Invitae Variant Classification Sherloc (09022015). Collection method: clinical testing. Allele origin: germline.
Comment: Algorithms developed to predict the effect of missense changes on protein structure and function (SIFT, PolyPhen-2, Align-GVGD) all suggest that this variant is likely to be disruptive. This variant has not been reported in the literature in individuals affected with FLVCR1-related conditions. This variant is not present in population databases (gnomAD no frequency). This sequence change replaces proline, which is neutral and non-polar, with arginine, which is basic and polar, at codon 456 of the FLVCR1 protein (p.Pro456Arg). In summary, the available evidence is currently insufficient to determine the role of this variant in disease. Therefore, it has been classified as a Variant of Uncertain Significance.